The following is an entry in ClinVar:

NM_001042492.3(NF1):c.1998T>C (p.Ser666=)

Gene: NF1 (neurofibromin 1; plus strand). Cytogenetic location: 17q11.2.
Variant type: single nucleotide variant.
Coding change: c.1998T>C on transcript NM_001042492.3 (MANE Select); coding-DNA position 1998, T replaced by C.
Protein change: p.Ser666=; no amino-acid change (serine 666 retained).
Molecular consequence: synonymous variant.
Genome position (GRCh38, 1-based): chr17:31,225,247, T>C. VCF-style: chr17-31225247-T-C. GRCh37 (hg19) VCF-style: chr17-29552265-T-C.
Other names: c.1998T>C, p.Ser666= (NM_000267.4).
Identifiers: ClinVar variation 561687 (VCV000561687.12), dbSNP rs1567846823, ClinGen allele CA499231970.

ClinVar aggregate classification (germline): Conflicting classifications of pathogenicity. Review status: criteria provided, conflicting classifications (1 of 4 stars). 4 submissions from 4 submitters: Uncertain significance (1); Benign (1); Likely benign (2). Last evaluated 2026-05-15.

Conditions:
Hereditary cancer-predisposing syndrome. Also called: Neoplastic Syndromes, Hereditary; Hereditary Cancer Syndrome; Hereditary neoplastic syndrome; Tumor predisposition. Identifiers: Orphanet 140162, MedGen C0027672, MeSH D009386, MONDO:0015356.
Cardiovascular phenotype. Identifiers: MedGen CN230736.
Neurofibromatosis, type 1 (NF1). Also called: Neurofibromatosis, type I; NEUROFIBROMATOSIS, TYPE I, SOMATIC; Peripheral type neurofibromatosis; VON RECKLINGHAUSEN DISEASE. Identifiers: Orphanet 636, MedGen C0027831, MONDO:0018975, OMIM 162200. Disease mechanism: loss of function.

Allele frequency attached by ClinVar (database versions not stated): gnomAD exomes below 0.00001.
gnomAD v4.1: 3 of 1,613,582 alleles (0.00019%); highest among the groups gnomAD compares: Non-Finnish European, 0.00025%; no homozygotes.

Submissions (4):

Myriad Genetics, Inc.
Classification: Benign for Neurofibromatosis, type 1. Last evaluated: 2026-05-15. Review status: criteria provided, single submitter. Criteria: Myriad Autosomal Dominant, Autosomal Recessive and X-Linked Classification Criteria (2023). Collection method: clinical testing. Allele origin: unknown.
Comment: This variant is considered benign. This variant is a silent/synonymous amino acid change and it is not expected to impact splicing.

Labcorp Genetics (formerly Invitae), Labcorp
Classification: Likely benign for Neurofibromatosis, type 1. Last evaluated: 2025-01-14. Review status: criteria provided, single submitter. Criteria: Invitae Variant Classification Sherloc (09022015). Collection method: clinical testing. Allele origin: germline.

Ambry Genetics
Classification: Likely benign for Cardiovascular phenotype; Hereditary cancer-predisposing syndrome. Last evaluated: 2022-12-08. Review status: criteria provided, single submitter. Criteria: Ambry Variant Classification Scheme 2023. Collection method: clinical testing. Allele origin: germline.

GeneDx
Classification: Uncertain significance. Last evaluated: 2017-10-13. Review status: criteria provided, single submitter. Criteria: GeneDx Variant Classification (06012015). Collection method: clinical testing. Allele origin: germline. Affected: yes.
Comment: This variant is denoted NF1 c.1998T>C at the DNA level. This variant is silent at the coding level, preserving a Serine at codon 666. This variant has not, to our knowledge, been published in the literature as pathogenic or benign. In silico splicing models are uninformative; therefore, in the absence of RNA or functional studies, the actual effect of this variant is unknown. This variant was not observed in large population cohorts (Lek 2016). The nucleotide which is altered, a thymine (T) at base 1998, is not conserved. Based on currently available information, it is unclear whether NF1 c.1998T>C is a pathogenic or benign variant. We consider it to be a variant of uncertain significance.